The following is an entry in ClinVar:

NM_024675.4(PALB2):c.2375C>G (p.Ser792Ter)

Gene: PALB2 (partner and localizer of BRCA2; minus strand). Cytogenetic location: 16p12.2.
Variant type: single nucleotide variant.
Coding change: c.2375C>G on transcript NM_024675.4 (MANE Select); coding-DNA position 2375, C replaced by G.
Protein change: p.Ser792Ter; replaces serine 792 with a stop codon.
Molecular consequence: nonsense.
Genome position (GRCh38, 1-based): chr16:23,629,779, G>C on the plus strand (C>G on the coding strand, the complement: PALB2 is on the minus strand). VCF-style: chr16-23629779-G-C. GRCh37 (hg19) VCF-style: chr16-23641100-G-C.
Other names: short protein forms S792*.
Identifiers: ClinVar variation 410128 (VCV000410128.16), dbSNP rs1060502748, ClinGen allele CA16615240.
Genomic context (GRCh38, chr16:23,629,779, plus strand): 5'-GGTGGAGGTGTTCCTGGCGGGACAGAGTCACAGTCACAGGTAGGTTGTCCTTGCCTGCCT[G>C]ACACTTGCAGGGTGGTATGTGGTTTTGCTGGGCTGCCTGAACTGTCGAATTGTTTAGTAT-3'

ClinVar aggregate classification (germline): Pathogenic/Likely pathogenic. Review status: criteria provided, multiple submitters, no conflicts (2 of 4 stars). 5 submissions from 5 submitters: Pathogenic (4); Likely pathogenic (1). Last evaluated 2024-05-11.

Conditions:
Hereditary cancer-predisposing syndrome. Also called: Hereditary neoplastic syndrome; Neoplastic Syndromes, Hereditary; Tumor predisposition; Hereditary Cancer Syndrome. Identifiers: Orphanet 140162, MedGen C0027672, MeSH D009386, MONDO:0015356.
Familial cancer of breast. Also called: hereditary breast carcinoma; BREAST CANCER, FAMILIAL; Hereditary breast cancer. Identifiers: Orphanet 227535, MedGen C0346153, MONDO:0016419, OMIM 114480. Disease mechanism: loss of function.
Fanconi anemia complementation group N. Also called: PALB2-Related Fanconi Anemia. Identifiers: Orphanet 84, MedGen C1835817, MONDO:0012565, OMIM 610832. Disease mechanism: loss of function.

Submissions (5):

Labcorp Genetics (formerly Invitae), Labcorp
Classification: Pathogenic for Familial cancer of breast. Last evaluated: 2024-05-11. Review status: criteria provided, single submitter. Criteria: Invitae Variant Classification Sherloc (09022015). Collection method: clinical testing. Allele origin: germline.
Comment: This sequence change creates a premature translational stop signal (p.Ser792*) in the PALB2 gene. It is expected to result in an absent or disrupted protein product. Loss-of-function variants in PALB2 are known to be pathogenic (PMID: 17200668, 17200671, 17200672, 24136930, 25099575). This variant is not present in population databases (gnomAD no frequency). This variant has not been reported in the literature in individuals affected with PALB2-related conditions. ClinVar contains an entry for this variant (Variation ID: 410128). For these reasons, this variant has been classified as Pathogenic.

Ambry Genetics
Classification: Pathogenic for Hereditary cancer-predisposing syndrome. Last evaluated: 2024-03-22. Review status: criteria provided, single submitter. Criteria: Ambry Variant Classification Scheme 2023. Collection method: clinical testing. Allele origin: germline.
Comment: The p.S792* pathogenic mutation (also known as c.2375C>G), located in coding exon 5 of the PALB2 gene, results from a C to G substitution at nucleotide position 2375. This changes the amino acid from a serine to a stop codon within coding exon 5. This alteration is expected to result in loss of function by premature protein truncation or nonsense-mediated mRNA decay. As such, this alteration is interpreted as a disease-causing mutation.

Baylor Genetics
Classification: Likely pathogenic for Familial cancer of breast. Last evaluated: 2024-02-01. Review status: criteria provided, single submitter. Criteria: ACMG Guidelines, 2015. Collection method: clinical testing. Allele origin: unknown.

Myriad Genetics, Inc.
Classification: Pathogenic for Familial cancer of breast. Last evaluated: 2023-09-12. Review status: criteria provided, single submitter. Criteria: Myriad Autosomal Dominant, Autosomal Recessive and X-Linked Classification Criteria (2023). Collection method: clinical testing. Allele origin: unknown.
Comment: This variant is considered pathogenic. This variant creates a termination codon and is predicted to result in premature protein truncation.

Dasa
Classification: Pathogenic for Fanconi anemia complementation group N. Last evaluated: 2022-01-05. Review status: criteria provided, single submitter. Criteria: ACMG Guidelines, 2015. Collection method: clinical testing. Allele origin: germline. Affected: yes. Observed: 1 variant allele.
Comment: The c.2375C>G;p.(Ser792*) variant creates a premature translational stop signal in the PALB2 gene. It is expected to result in an absent or disrupted protein product -PVS1. This sequence change has been observed in affected individual(s) and ClinVar contains an entry for this variant (ClinVar ID: 410128) - PS4. This variant is not present in population databases (rs1060502748, gnomAD; ABraOM no frequency) - PM2. In summary, the currently available evidence indicates that the variant is pathogenic.

Literature cited by the submitters: PubMed 17200668 (cited by Labcorp Genetics (formerly Invitae), Labcorp); PubMed 17200671 (cited by Labcorp Genetics (formerly Invitae), Labcorp); PubMed 17200672 (cited by Labcorp Genetics (formerly Invitae), Labcorp); PubMed 24136930 (cited by Labcorp Genetics (formerly Invitae), Labcorp); PubMed 25099575 (cited by Labcorp Genetics (formerly Invitae), Labcorp).